The following is an entry in ClinVar:

ClinVar aggregate classification (germline): Likely benign (0 of 4 stars; one submission).

Conditions:
BSG-related disorder. Also called: BSG-related condition.

Allele frequency attached by ClinVar (database versions not stated): TOPMed 0.00029; gnomAD 0.00030; ExAC 0.00031; ESP Exome Variant Server 0.00054; gnomAD exomes 0.00062.
gnomAD v4.1: 927 of 1,607,144 alleles (0.058%); highest among the groups gnomAD compares: Non-Finnish European, 0.075%; 1 homozygote.

Submission:

PreventionGenetics, part of Exact Sciences
Classification: Likely benign for BSG-related condition. Last evaluated: 2019-05-23. Review status: no assertion criteria provided. Collection method: clinical testing. Allele origin: germline.
Comment: This variant is classified as likely benign based on ACMG/AMP sequence variant interpretation guidelines (Richards et al. 2015 PMID: 25741868, with internal and published modifications).

NM_001728.4(BSG):c.366G>A (p.Ala122=)

Gene: BSG (basigin (Ok blood group); plus strand). Cytogenetic location: 19p13.3.
Variant type: single nucleotide variant.
Coding change: c.366G>A on transcript NM_001728.4 (MANE Select); coding-DNA position 366, G replaced by A.
Protein change: p.Ala122=; no amino-acid change (alanine 122 retained).
Molecular consequence: synonymous variant. On other transcripts: intron variant (4).
Genome position (GRCh38, 1-based): chr19:578,072, G>A. VCF-style: chr19-578072-G-A. GRCh37 (hg19) VCF-style: chr19-578072-G-A.
Other names: c.-212-1428G>A (NM_198590.3); c.-55-2307G>A (NM_198591.4); c.68-1428G>A (NM_198589.3, NM_001322243.2).
Identifiers: ClinVar variation 3039551 (VCV003039551.2), dbSNP rs148189655, ClinGen allele CA9017618.